The following is an entry in ClinVar:

ClinVar aggregate classification (germline): Uncertain significance (1 of 4 stars; one submission).

Conditions:
Familial adenomatous polyposis 1 (FAP1). Also called: FAMILIAL ADENOMATOUS POLYPOSIS 1, ATTENUATED; POLYPOSIS, ADENOMATOUS INTESTINAL. Identifiers: MedGen C2713442, MONDO:0021056, OMIM 175100. Disease mechanism: loss of function.

Submission:

Labcorp Genetics (formerly Invitae), Labcorp
Classification: Uncertain significance for Familial adenomatous polyposis 1. Last evaluated: 2022-02-10. Review status: criteria provided, single submitter. Criteria: Invitae Variant Classification Sherloc (09022015). Collection method: clinical testing. Allele origin: germline.
Comment: This variant occurs in a non-coding region of the APC gene. It does not change the encoded amino acid sequence of the APC protein. Information on the frequency of this variant in the gnomAD database is not available, as this variant may be reported differently in the database. This variant has not been reported in the literature in individuals affected with APC-related conditions. Experimental studies and prediction algorithms are not available or were not evaluated, and the functional significance of this variant is currently unknown. In summary, the available evidence is currently insufficient to determine the role of this variant in disease. Therefore, it has been classified as a Variant of Uncertain Significance.

NM_001127511.3(APC):c.-133_-132delinsGA

Gene: APC (APC regulator of Wnt signaling pathway; plus strand). Cytogenetic location: 5q22.2.
Variant type: Indel.
Coding change: c.-133_-132delinsGA on transcript NM_001127511.3; 133 bases upstream of the start codon through 132 bases upstream of the start codon, CG replaced by GA.
Molecular consequence: 5 prime UTR variant. On other transcripts: non-coding transcript variant (2).
Genome position (GRCh38, 1-based): chr5:112,707,585-112,707,586, CG replaced by GA. VCF-style: chr5-112707585-CG-GA. GRCh37 (hg19) VCF-style: chr5-112043282-CG-GA.
Other names: c.-316_-315delinsGA (NM_001354895.2, NM_001407447.1, NM_001407452.1 and 3 more transcripts); c.-133_-132delinsGA (NM_001354897.2, NM_001354902.2, NM_001407446.1); c.-83_-82delinsGA (NM_001407448.1, NM_001407450.1, NM_001407457.1 and 1 more transcripts); c.-107_-106delinsGA (NM_001407453.1); c.-1351_-1350delinsGA (NM_001407470.1, NM_001407472.1).
Identifiers: ClinVar variation 1050976 (VCV001050976.9), dbSNP rs1580996199, ClinGen allele CA2499217395.